The following is an entry in ClinVar:

NM_000069.3(CACNA1S):c.2896delinsCT (p.Glu966fs)

Gene: CACNA1S (calcium voltage-gated channel subunit alpha1 S; minus strand). Cytogenetic location: 1q32.1.
Variant type: Indel.
Coding change: c.2896delinsCT on transcript NM_000069.3 (MANE Select); coding-DNA position 2896, G replaced by CT.
Protein change: p.Glu966fs; shifts the reading frame from glutamic acid 966.
Molecular consequence: frameshift variant.
Genome position (GRCh38, 1-based): chr1:201,062,472, C replaced by AG on the plus strand (G replaced by CT on the coding strand, the reverse complement: CACNA1S is on the minus strand). VCF-style: chr1-201062472-C-AG. GRCh37 (hg19) VCF-style: chr1-201031600-C-AG.
Other names: short protein forms E966fs.
Identifiers: ClinVar variation 2632534 (VCV002632534.2), dbSNP rs2464503884, ClinGen allele CA2695199960.

ClinVar aggregate classification (germline): Likely pathogenic (1 of 4 stars; one submission).

Conditions:
CACNA1S-related disorder. Also called: CACNA1S-related condition.

Submission:

PreventionGenetics, part of Exact Sciences
Classification: Likely pathogenic for CACNA1S-related condition. Last evaluated: 2024-12-18. Review status: criteria provided, single submitter. Criteria: ACMG Guidelines, 2015. Collection method: clinical testing. Allele origin: germline.
Comment: The CACNA1S c.2896delinsCT variant is predicted to result in a frameshift and premature protein termination (p.Glu966Leufs*110). To our knowledge, this variant has not been reported in the literature or in a large population database (gnomAD), indicating this variant is rare. Frameshift variants in CACNA1S are expected to be pathogenic. This variant is interpreted as likely pathogenic.